The following is an entry in ClinVar:

ClinVar aggregate classification (germline): Uncertain significance (1 of 4 stars; one submission).

Submission:

Ambry Genetics
Classification: Uncertain significance. Last evaluated: 2022-04-05. Review status: criteria provided, single submitter. Criteria: Ambry Variant Classification Scheme 2023. Collection method: clinical testing. Allele origin: germline.
Comment: The p.E2460G variant (also known as c.7379A>G), located in coding exon 55 of the PRKDC gene, results from an A to G substitution at nucleotide position 7379. The glutamic acid at codon 2460 is replaced by glycine, an amino acid with similar properties. This amino acid position is conserved. Since supporting evidence is limited at this time, the clinical significance of this alteration remains unclear.

NM_006904.7(PRKDC):c.7379A>G (p.Glu2460Gly)

Gene: PRKDC (protein kinase, DNA-activated, catalytic subunit; minus strand). Cytogenetic location: 8q11.21.
Variant type: single nucleotide variant.
Coding change: c.7379A>G on transcript NM_006904.7 (MANE Select); coding-DNA position 7379, A replaced by G.
Protein change: p.Glu2460Gly; replaces glutamic acid 2460 with glycine.
Molecular consequence: missense variant.
Genome position (GRCh38, 1-based): chr8:47,840,091, T>C on the plus strand (A>G on the coding strand, the complement: PRKDC is on the minus strand). VCF-style: chr8-47840091-T-C. GRCh37 (hg19) VCF-style: chr8-48752652-T-C.
Other names: c.7379A>G, p.Glu2460Gly (NM_001081640.2); short protein forms E2460G.
Identifiers: ClinVar variation 1758593 (VCV001758593.2), dbSNP rs2551867921, ClinGen allele CA371155210.
Genomic context (GRCh38, chr8:47,840,091, plus strand): 5'-ATCCACATGAGAATATTATACATTTGTTCCCTACATGTTGTAGAAGGATGGGAAACGAAT[T>C]CCACAACGGGGTTCAGAAGTTCTCGGAGTTCTACTGGTTTTAACTTTGGCATCATCTTAT-3'
Protein context (NP_008835.5, residues 2450-2470): ELRELLNPVV[Glu2460Gly]FVSHPSTTCR